The following is an entry in ClinVar:

ClinVar aggregate classification (germline): Uncertain significance (1 of 4 stars; one submission).

Conditions:
Immunodeficiency 23 (IMD23). Also called: IMMUNODEFICIENCY WITH HYPER IgE AND COGNITIVE IMPAIRMENT; IMMUNODEFICIENCY-VASCULITIS-MYOCLONUS SYNDROME. Identifiers: Orphanet 443811, MedGen C4014371, MONDO:0014353, OMIM 615816.

Submission:

Labcorp Genetics (formerly Invitae), Labcorp
Classification: Uncertain significance for Immunodeficiency 23. Last evaluated: 2021-09-10. Review status: criteria provided, single submitter. Criteria: Invitae Variant Classification Sherloc (09022015). Collection method: clinical testing. Allele origin: germline.
Comment: This variant is not present in population databases (ExAC no frequency). This sequence change replaces histidine with aspartic acid at codon 383 of the PGM3 protein (p.His383Asp). The histidine residue is highly conserved and there is a moderate physicochemical difference between histidine and aspartic acid. This variant has not been reported in the literature in individuals affected with PGM3-related conditions. Algorithms developed to predict the effect of missense changes on protein structure and function (SIFT, PolyPhen-2, Align-GVGD) all suggest that this variant is likely to be disruptive. In summary, the available evidence is currently insufficient to determine the role of this variant in disease. Therefore, it has been classified as a Variant of Uncertain Significance.

NM_015599.3(PGM3):c.1063C>G (p.His355Asp)

Gene: PGM3 (phosphoglucomutase 3; minus strand). Cytogenetic location: 6q14.1.
Variant type: single nucleotide variant.
Coding change: c.1063C>G on transcript NM_015599.3 (MANE Select); coding-DNA position 1063, C replaced by G.
Protein change: p.His355Asp; replaces histidine 355 with aspartic acid.
Molecular consequence: missense variant. On other transcripts: non-coding transcript variant (1).
Genome position (GRCh38, 1-based): chr6:83,176,027, G>C on the plus strand (C>G on the coding strand, the complement: PGM3 is on the minus strand). VCF-style: chr6-83176027-G-C. GRCh37 (hg19) VCF-style: chr6-83885746-G-C.
Other names: c.1147C>G, p.His383Asp (NM_001199917.2, NM_001367287.1); c.820C>G, p.His274Asp (NM_001199918.2); c.1063C>G, p.His355Asp (NM_001199919.2, NM_001367286.1); short protein forms H274D, H355D, H383D.
Identifiers: ClinVar variation 1474400 (VCV001474400.6), dbSNP rs2128490958, ClinGen allele CA364880630.